The following is an entry in ClinVar:

ClinVar aggregate classification (germline): Uncertain significance (1 of 4 stars; one submission).

Conditions:
Hereditary cancer-predisposing syndrome. Also called: Tumor predisposition; Neoplastic Syndromes, Hereditary; Hereditary Cancer Syndrome; Hereditary neoplastic syndrome. Identifiers: Orphanet 140162, MedGen C0027672, MeSH D009386, MONDO:0015356.

Submission:

Ambry Genetics
Classification: Uncertain significance for Hereditary cancer-predisposing syndrome. Last evaluated: 2024-12-17. Review status: criteria provided, single submitter. Criteria: Ambry Variant Classification Scheme 2023. Collection method: clinical testing. Allele origin: germline.
Comment: The p.A360V variant (also known as c.1079C>T), located in coding exon 9 of the MITF gene, results from a C to T substitution at nucleotide position 1079. The alanine at codon 360 is replaced by valine, an amino acid with similar properties. This amino acid position is conserved. In addition, this alteration is predicted to be tolerated by in silico analysis. Based on the available evidence, the clinical significance of this variant remains unclear.

NM_001354604.2(MITF):c.1400C>T (p.Ala467Val)

Gene: MITF (melanocyte inducing transcription factor; plus strand). Cytogenetic location: 3p13.
Variant type: single nucleotide variant.
Coding change: c.1400C>T on transcript NM_001354604.2 (MANE Select); coding-DNA position 1400, C replaced by T.
Protein change: p.Ala467Val; replaces alanine 467 with valine.
Molecular consequence: missense variant.
Genome position (GRCh38, 1-based): chr3:69,965,067, C>T. VCF-style: chr3-69965067-C-T. GRCh37 (hg19) VCF-style: chr3-70014218-C-T.
Other names: c.1079C>T, p.Ala360Val (NM_000248.4); c.1226C>T, p.Ala409Val (NM_001184967.2, NM_001354608.2); c.1397C>T, p.Ala466Val (NM_001354605.2); c.1379C>T, p.Ala460Val (NM_001354606.2, NM_006722.3); c.1331C>T, p.Ala444Val (NM_001354607.2); c.1061C>T, p.Ala354Val (NM_198158.3); c.1382C>T, p.Ala461Val (NM_198159.3); c.1334C>T, p.Ala445Val (NM_198177.3); and 1 more; short protein forms A409V, A461V, A467V, A445V, A460V, A466V, A298V, A354V.
Identifiers: ClinVar variation 3873205 (VCV003873205.1).